The following is an entry in ClinVar:

ClinVar aggregate classification (germline): Conflicting classifications of pathogenicity. Review status: criteria provided, conflicting classifications (1 of 4 stars). 7 submissions from 7 submitters: Uncertain significance (2); Likely benign (5). Last evaluated 2026-01-24.

Conditions:
LAMA2-related disorder. Also called: LAMA2-related condition; LAMA2-related disorders.
Inborn genetic diseases. Identifiers: MedGen C0950123, MeSH D030342.
LAMA2-related muscular dystrophy (LAMA2-RD). Also called: Laminin alpha 2-related dystrophy. Identifiers: MedGen C5679788, MONDO:0100228.
Merosin deficient congenital muscular dystrophy (MDC1A). Also called: Congenital merosin-deficient muscular dystrophy 1A; Congenital Muscular Dystrophy Type 1A (MDC1A). Identifiers: Orphanet 258, MedGen C1263858, MONDO:0011925, OMIM 607855.

Allele frequency attached by ClinVar (database versions not stated): gnomAD exomes 0.00006 and 0.00018; ESP Exome Variant Server 0.00069; gnomAD 0.00071 and 0.00065; TOPMed 0.00083; ExAC 0.00020; 1000 Genomes Project 0.00060; 1000 Genomes Project 30x 0.00094.
gnomAD v4.1: 188 of 1,613,910 alleles (0.012%); highest among the groups gnomAD compares: African/African-American, 0.22%; 1 homozygote.

Submissions (7):

Labcorp Genetics (formerly Invitae), Labcorp
Classification: Likely benign for LAMA2-related muscular dystrophy. Last evaluated: 2026-01-24. Review status: criteria provided, single submitter. Criteria: Invitae Variant Classification Sherloc (09022015). Collection method: clinical testing. Allele origin: germline.

PreventionGenetics, part of Exact Sciences
Classification: Likely benign for LAMA2-related condition. Last evaluated: 2025-11-25. Review status: criteria provided, single submitter. Criteria: ACMG Guidelines, 2015. Collection method: clinical testing. Allele origin: germline.
Comment: This variant is classified as likely benign based on ACMG/AMP sequence variant interpretation guidelines (Richards et al. 2015 PMID: 25741868, with internal and published modifications).

Mayo Clinic Laboratories, Mayo Clinic
Classification: Likely benign. Last evaluated: 2024-11-07. Review status: criteria provided, single submitter. Criteria: ACMG Guidelines, 2015. Collection method: clinical testing. Allele origin: germline. Observed: 4 variant alleles.
Comment: BS1, BP4

Revvity Omics, Revvity
Classification: Likely benign. Last evaluated: 2023-09-12. Review status: criteria provided, single submitter. Criteria: ACMG Guidelines, 2015. Collection method: clinical testing. Allele origin: germline.

Ambry Genetics
Classification: Likely benign for Inborn genetic diseases. Last evaluated: 2021-08-17. Review status: criteria provided, single submitter. Criteria: Ambry Variant Classification Scheme 2023. Collection method: clinical testing. Allele origin: germline.

Baylor Genetics
Classification: Uncertain significance for Merosin deficient congenital muscular dystrophy. Last evaluated: 2018-12-29. Review status: criteria provided, single submitter. Criteria: ACMG Guidelines, 2015. Collection method: clinical testing. Allele origin: unknown. Affected: yes.
Comment: This variant was determined to be of uncertain significance according to ACMG Guidelines, 2015 [PMID:25741868].

Athena Diagnostics
Classification: Uncertain significance. Last evaluated: 2016-09-19. Review status: criteria provided, single submitter. Criteria: Athena Diagnostics Criteria. Collection method: clinical testing. Allele origin: germline.

NM_000426.4(LAMA2):c.1400A>G (p.Lys467Arg)

Gene: LAMA2 (laminin subunit alpha 2; plus strand). Cytogenetic location: 6q22.33.
Variant type: single nucleotide variant.
Coding change: c.1400A>G on transcript NM_000426.4 (MANE Select); coding-DNA position 1400, A replaced by G.
Protein change: p.Lys467Arg; replaces lysine 467 with arginine.
Molecular consequence: missense variant.
Genome position (GRCh38, 1-based): chr6:129,177,799, A>G. VCF-style: chr6-129177799-A-G. GRCh37 (hg19) VCF-style: chr6-129498944-A-G.
Other names: c.1400A>G, p.Lys467Arg (NM_001079823.2); short protein forms K467R.
Identifiers: ClinVar variation 447680 (VCV000447680.24), dbSNP rs138162760, ClinGen allele CA3992597.